The following is an entry in ClinVar:

ClinVar aggregate classification (germline): Uncertain significance (1 of 4 stars; one submission).

Allele frequency attached by ClinVar (database versions not stated): TOPMed below 0.00001.
gnomAD v4.1: 6 of 1,614,090 alleles (0.00037%); highest among the groups gnomAD compares: East Asian, 0.0022%; no homozygotes.

Submission:

GeneDx
Classification: Uncertain significance. Last evaluated: 2026-10-06. Review status: criteria provided, single submitter. Criteria: GeneDx Variant Classification Process June 2021. Collection method: clinical testing. Allele origin: germline.
Comment: Not observed at significant frequency in large population cohorts (gnomAD); In silico analysis supports that this missense variant has a deleterious effect on protein structure/function; Has not been previously published as pathogenic or benign to our knowledge

NM_138615.3(DHX30):c.1504C>T (p.Arg502Trp)

Gene: DHX30 (DExH-box helicase 30; plus strand). Cytogenetic location: 3p21.31.
Variant type: single nucleotide variant.
Coding change: c.1504C>T on transcript NM_138615.3 (MANE Select); coding-DNA position 1504, C replaced by T.
Protein change: p.Arg502Trp; replaces arginine 502 with tryptophan.
Molecular consequence: missense variant.
Genome position (GRCh38, 1-based): chr3:47,846,576, C>T. VCF-style: chr3-47846576-C-T. GRCh37 (hg19) VCF-style: chr3-47888066-C-T.
Other names: c.1420C>T, p.Arg474Trp (NM_001330990.2); c.1387C>T, p.Arg463Trp (NM_014966.4); short protein forms R463W, R474W, R502W.
Identifiers: ClinVar variation 1186979 (VCV001186979.5), dbSNP rs771350114, ClinGen allele CA352586715.